The following is an entry in ClinVar:

ClinVar aggregate classification (germline): Uncertain significance (1 of 4 stars; one submission).

Submission:

Labcorp Genetics (formerly Invitae), Labcorp
Classification: Uncertain significance. Last evaluated: 2022-03-19. Review status: criteria provided, single submitter. Criteria: Invitae Variant Classification Sherloc (09022015). Collection method: clinical testing. Allele origin: germline.
Comment: This sequence change replaces isoleucine, which is neutral and non-polar, with methionine, which is neutral and non-polar, at codon 4550 of the ADGRV1 protein (p.Ile4550Met). This variant is not present in population databases (gnomAD no frequency). This variant has not been reported in the literature in individuals affected with ADGRV1-related conditions. Algorithms developed to predict the effect of missense changes on protein structure and function (SIFT, PolyPhen-2, Align-GVGD) all suggest that this variant is likely to be tolerated. In summary, the available evidence is currently insufficient to determine the role of this variant in disease. Therefore, it has been classified as a Variant of Uncertain Significance.

NM_032119.4(ADGRV1):c.13650T>G (p.Ile4550Met)

Gene: ADGRV1 (adhesion G protein-coupled receptor V1; plus strand). Cytogenetic location: 5q14.3.
Variant type: single nucleotide variant.
Coding change: c.13650T>G on transcript NM_032119.4 (MANE Select); coding-DNA position 13650, T replaced by G.
Protein change: p.Ile4550Met; replaces isoleucine 4550 with methionine.
Molecular consequence: missense variant. On other transcripts: non-coding transcript variant (1).
Genome position (GRCh38, 1-based): chr5:90,784,054, T>G. VCF-style: chr5-90784054-T-G. GRCh37 (hg19) VCF-style: chr5-90079871-T-G.
Other names: short protein forms I4550M.
Identifiers: ClinVar variation 1970646 (VCV001970646.2), dbSNP rs2531940874, ClinGen allele CA360395457.
Genomic context (GRCh38, chr5:90,784,054, plus strand): 5'-CAATTCCACAATGATTTTATCACTGGTGCTGGAGCGGACTGGAGGACTCTTGGGAGAGAT[T>G]CAGGTAGATTTATGTTCCCCATGACTTTAAATATAATTTTTGATAGACTGAGTATGGTAG-3'
Protein context (NP_115495.3, residues 4540-4560): LERTGGLLGE[Ile4550Met]QVNWETVGPN